The following is an entry in ClinVar:

ClinVar aggregate classification (germline): Uncertain significance (1 of 4 stars; one submission).

Conditions:
Cardiovascular phenotype. Identifiers: MedGen CN230736.

Allele frequency attached by ClinVar (database versions not stated): gnomAD exomes below 0.00001.
gnomAD v4.1: 1 of 1,614,066 alleles (0.000062%); highest among the groups gnomAD compares: Non-Finnish European, 0.000085%; no homozygotes.

Submission:

Ambry Genetics
Classification: Uncertain significance for Cardiovascular phenotype. Last evaluated: 2024-09-02. Review status: criteria provided, single submitter. Criteria: Ambry Variant Classification Scheme 2023. Collection method: clinical testing. Allele origin: germline.
Comment: The p.M374V variant (also known as c.1120A>G), located in coding exon 9 of the SCN10A gene, results from an A to G substitution at nucleotide position 1120. The methionine at codon 374 is replaced by valine, an amino acid with highly similar properties. This amino acid position is conserved. In addition, this alteration is predicted to be deleterious by in silico analysis. Since supporting evidence is limited at this time, the clinical significance of this alteration remains unclear.

NM_006514.4(SCN10A):c.1120A>G (p.Met374Val)

Gene: SCN10A (sodium voltage-gated channel alpha subunit 10; minus strand). Cytogenetic location: 3p22.2.
Variant type: single nucleotide variant.
Coding change: c.1120A>G on transcript NM_006514.4 (MANE Select); coding-DNA position 1120, A replaced by G.
Protein change: p.Met374Val; replaces methionine 374 with valine.
Molecular consequence: missense variant.
Genome position (GRCh38, 1-based): chr3:38,756,844, T>C on the plus strand (A>G on the coding strand, the complement: SCN10A is on the minus strand). VCF-style: chr3-38756844-T-C. GRCh37 (hg19) VCF-style: chr3-38798335-T-C.
Other names: c.1120A>G, p.Met374Val (NM_001293306.2, NM_001293307.2); short protein forms M374V.
Identifiers: ClinVar variation 1797598 (VCV001797598.3), dbSNP rs2063812501, ClinGen allele CA352169926.